The following is an entry in ClinVar:

ClinVar aggregate classification (germline): Uncertain significance (1 of 4 stars; one submission).

Submission:

Labcorp Genetics (formerly Invitae), Labcorp
Classification: Uncertain significance. Last evaluated: 2023-09-03. Review status: criteria provided, single submitter. Criteria: Invitae Variant Classification Sherloc (09022015). Collection method: clinical testing. Allele origin: germline.
Comment: In summary, the available evidence is currently insufficient to determine the role of this variant in disease. Therefore, it has been classified as a Variant of Uncertain Significance. Advanced modeling of protein sequence and biophysical properties (such as structural, functional, and spatial information, amino acid conservation, physicochemical variation, residue mobility, and thermodynamic stability) performed at Invitae indicates that this missense variant is not expected to disrupt RARS2 protein function. This variant has not been reported in the literature in individuals affected with RARS2-related conditions. This variant is not present in population databases (gnomAD no frequency). This sequence change replaces leucine, which is neutral and non-polar, with serine, which is neutral and polar, at codon 50 of the RARS2 protein (p.Leu50Ser).

NM_020320.5(RARS2):c.149T>C (p.Leu50Ser)

Gene: RARS2 (arginyl-tRNA synthetase 2, mitochondrial; minus strand). Cytogenetic location: 6q15.
Variant type: single nucleotide variant.
Coding change: c.149T>C on transcript NM_020320.5 (MANE Select); coding-DNA position 149, T replaced by C.
Protein change: p.Leu50Ser; replaces leucine 50 with serine.
Molecular consequence: missense variant. On other transcripts: non-coding transcript variant (23), 5 prime UTR variant (7).
Genome position (GRCh38, 1-based): chr6:87,564,194, A>G on the plus strand (T>C on the coding strand, the complement: RARS2 is on the minus strand). VCF-style: chr6-87564194-A-G. GRCh37 (hg19) VCF-style: chr6-88273912-A-G.
Other names: c.-321T>C (NM_001318785.2, NM_001350509.2); c.149T>C, p.Leu50Ser (NM_001350505.2); c.-377T>C (NM_001350506.2, NM_001350507.2, NM_001350510.2 and 1 more transcripts); c.-539T>C (NM_001350508.2); short protein forms L50S.
Identifiers: ClinVar variation 2989266 (VCV002989266.3), dbSNP rs2484885674, ClinGen allele CA364940922.